The following is an entry in ClinVar:

ClinVar aggregate classification (germline): Uncertain significance (1 of 4 stars; one submission).

Submission:

GeneDx
Classification: Uncertain significance. Last evaluated: 2023-02-27. Review status: criteria provided, single submitter. Criteria: GeneDx Variant Classification Process June 2021. Collection method: clinical testing. Allele origin: germline. Affected: yes.
Comment: Not observed at significant frequency in large population cohorts (gnomAD); In silico analysis supports that this missense variant has a deleterious effect on protein structure/function; Has not been previously published as pathogenic or benign to our knowledge

NM_004247.4(EFTUD2):c.2594G>A (p.Gly865Asp)

Gene: EFTUD2 (elongation factor Tu GTP binding domain containing 2; minus strand). Cytogenetic location: 17q21.31.
Variant type: single nucleotide variant.
Coding change: c.2594G>A on transcript NM_004247.4 (MANE Select); coding-DNA position 2594, G replaced by A.
Protein change: p.Gly865Asp; replaces glycine 865 with aspartic acid.
Molecular consequence: missense variant.
Genome position (GRCh38, 1-based): chr17:44,852,530, C>T on the plus strand (G>A on the coding strand, the complement: EFTUD2 is on the minus strand). VCF-style: chr17-44852530-C-T. GRCh37 (hg19) VCF-style: chr17-42929898-C-T.
Other names: c.2489G>A, p.Gly830Asp (NM_001142605.2); c.2594G>A, p.Gly865Asp (NM_001258353.2); c.2564G>A, p.Gly855Asp (NM_001258354.2); short protein forms G830D, G855D, G865D.
Identifiers: ClinVar variation 2579997 (VCV002579997.1), dbSNP rs2508718575, ClinGen allele CA399839034.